The following is an entry in ClinVar:

NM_198994.3(TGM6):c.1969G>A (p.Val657Met)

Gene: TGM6 (transglutaminase 6; plus strand). Cytogenetic location: 20p13.
Variant type: single nucleotide variant.
Coding change: c.1969G>A on transcript NM_198994.3 (MANE Select); coding-DNA position 1969, G replaced by A.
Protein change: p.Val657Met; replaces valine 657 with methionine.
Molecular consequence: missense variant.
Genome position (GRCh38, 1-based): chr20:2,432,491, G>A. VCF-style: chr20-2432491-G-A. GRCh37 (hg19) VCF-style: chr20-2413137-G-A.
Other names: c.1835G>A, p.Arg612His (NM_001254734.2); short protein forms R612H, V657M.
Identifiers: ClinVar variation 2418231 (VCV002418231.7), dbSNP rs375349474, ClinGen allele CA9732264.

ClinVar aggregate classification (germline): Conflicting classifications of pathogenicity. Review status: criteria provided, conflicting classifications (1 of 4 stars). 2 submissions from 2 submitters: Uncertain significance (1); Likely benign (1). Last evaluated 2025-02-03.

Allele frequency attached by ClinVar (database versions not stated): gnomAD 0.00002; TOPMed 0.00003; gnomAD exomes 0.00007; ESP Exome Variant Server 0.00008; ExAC 0.00012.

Submissions (2):

Labcorp Genetics (formerly Invitae), Labcorp
Classification: Uncertain significance. Last evaluated: 2025-02-03. Review status: criteria provided, single submitter. Criteria: Invitae Variant Classification Sherloc (09022015). Collection method: clinical testing. Allele origin: germline.
Comment: This sequence change replaces valine, which is neutral and non-polar, with methionine, which is neutral and non-polar, at codon 657 of the TGM6 protein (p.Val657Met). This variant is present in population databases (rs375349474, gnomAD 0.01%). This variant has not been reported in the literature in individuals affected with TGM6-related conditions. ClinVar contains an entry for this variant (Variation ID: 2418231). An algorithm developed to predict the effect of missense changes on protein structure and function (PolyPhen-2) suggests that this variant is likely to be disruptive. In summary, the available evidence is currently insufficient to determine the role of this variant in disease. Therefore, it has been classified as a Variant of Uncertain Significance.

Blueprint Genetics
Classification: Likely benign. Last evaluated: 2024-09-02. Review status: criteria provided, single submitter. Criteria: ACMG Guidelines, 2015. Collection method: clinical testing. Allele origin: germline.